The following is an entry in ClinVar:

ClinVar aggregate classification (germline): Benign/Likely benign. Review status: criteria provided, multiple submitters, no conflicts (2 of 4 stars). 6 submissions from 6 submitters: Benign (1); Likely benign (4). 1 of the submissions does not count toward it. Last evaluated 2026-03-27.

Conditions:
Dystrophin deficiency.
Duchenne muscular dystrophy (DMD). Also called: MUSCULAR DYSTROPHY, PSEUDOHYPERTROPHIC PROGRESSIVE, DUCHENNE TYPE; Duchenne Muscular Dystrophy (DMD). Identifiers: Orphanet 98896, MedGen C0013264, MONDO:0010679, OMIM 310200.
Cardiomyopathy (CMYO). Also called: Cardiomyopathies. Identifiers: Orphanet 167848, MedGen C0878544, MONDO:0004994, HP:0001638. Inheritance: Various modes of inheritance.
Becker muscular dystrophy (BMD). Also called: MUSCULAR DYSTROPHY, PSEUDOHYPERTROPHIC PROGRESSIVE, BECKER TYPE; Becker Muscular Dystrophy (BMD). Identifiers: Orphanet 98895, MedGen C0917713, MONDO:0010311, OMIM 300376.
Cardiovascular phenotype. Identifiers: MedGen CN230736.

Allele frequency attached by ClinVar (database versions not stated): gnomAD exomes 0.00003 and 0.00006; TOPMed 0.00003; gnomAD 0.00005; ExAC 0.00006.
gnomAD v4.1: 49 of 1,210,353 alleles (0.004%); highest among the groups gnomAD compares: Middle Eastern, 0.046%; no homozygotes.

Submissions (6):

Molecular Diagnostic Laboratory for Inherited Cardiovascular Disease, Montreal Heart Institute
Classification: Likely benign. Last evaluated: 2026-03-27. Review status: criteria provided, single submitter. Criteria: ACMG Guidelines, 2015. Collection method: clinical testing. Allele origin: germline. Affected: no.
Comment: BS2, BP1, BP4

Labcorp Genetics (formerly Invitae), Labcorp
Classification: Benign for Duchenne muscular dystrophy. Last evaluated: 2026-01-05. Review status: criteria provided, single submitter. Criteria: Invitae Variant Classification Sherloc (09022015). Collection method: clinical testing. Allele origin: germline.

CeGaT Center for Human Genetics Tuebingen
Classification: Likely benign. Last evaluated: 2024-04-01. Review status: criteria provided, single submitter. Criteria: CeGaT Center For Human Genetics Tuebingen Variant Classification Criteria Version 2. Collection method: clinical testing. Allele origin: germline. Affected: yes. Observed: 2 variant alleles.
Comment: DMD: BP4, BS2

Ambry Genetics
Classification: Likely benign for Cardiovascular phenotype. Last evaluated: 2021-06-18. Review status: criteria provided, single submitter. Criteria: Ambry Variant Classification Scheme 2023. Collection method: clinical testing. Allele origin: germline.

GeneDx
Classification: Likely benign. Last evaluated: 2019-04-10. Review status: criteria provided, single submitter. Criteria: GeneDx Variant Classification Process June 2021. Collection method: clinical testing. Allele origin: germline. Affected: yes.

Natera, Inc.
Classification: Likely benign for Becker muscular dystrophy; Cardiomyopathy; Duchenne muscular dystrophy; Dystrophin deficiency. Last evaluated: 2019-06-27. Review status: no assertion criteria provided. Collection method: clinical testing. Allele origin: germline. Not counted in ClinVar's aggregate classification.

NM_004006.3(DMD):c.2607G>C (p.Gln869His)

Gene: DMD (dystrophin; minus strand). Cytogenetic location: Xp21.1.
Variant type: single nucleotide variant.
Coding change: c.2607G>C on transcript NM_004006.3 (MANE Select); coding-DNA position 2607, G replaced by C.
Protein change: p.Gln869His; replaces glutamine 869 with histidine.
Molecular consequence: missense variant.
Genome position (GRCh38, 1-based): chrX:32,491,292, C>G on the plus strand (G>C on the coding strand, the complement: DMD is on the minus strand). VCF-style: chrX-32491292-C-G. GRCh37 (hg19) VCF-style: chrX-32509409-C-G.
Other names: c.2583G>C, p.Gln861His (NM_000109.4); c.2595G>C, p.Gln865His (NM_004009.3); c.2238G>C, p.Gln746His (NM_004010.3); short protein forms Q746H, Q861H, Q865H.
Identifiers: ClinVar variation 94523 (VCV000094523.40), dbSNP rs398123898, ClinGen allele CA222333.